The following is an entry in ClinVar:

ClinVar aggregate classification (germline): Conflicting classifications of pathogenicity. Review status: criteria provided, conflicting classifications (1 of 4 stars). 5 submissions from 5 submitters: Uncertain significance (2); Likely benign (2). 1 of the submissions does not count toward it. Last evaluated 2026-02-02.

Conditions:
INVS-related disorder. Also called: INVS-related condition.
Nephronophthisis. Also called: Juvenile Nephronophthisis. Identifiers: Orphanet 655, MedGen C0687120, MONDO:0019005, HP:0000090.

Allele frequency attached by ClinVar (database versions not stated): gnomAD exomes 0.00007 and 0.00018; ExAC 0.00029; 1000 Genomes Project 30x 0.00031; 1000 Genomes Project 0.00040; ESP Exome Variant Server 0.00062; gnomAD 0.00070 and 0.00076; TOPMed 0.00080.
gnomAD v4.1: 219 of 1,614,176 alleles (0.014%); highest among the groups gnomAD compares: African/African-American, 0.26%; 2 homozygotes.

Submissions (5):

Labcorp Genetics (formerly Invitae), Labcorp
Classification: Likely benign for Nephronophthisis. Last evaluated: 2026-02-02. Review status: criteria provided, single submitter. Criteria: Invitae Variant Classification Sherloc (09022015). Collection method: clinical testing. Allele origin: germline.

GeneDx
Classification: Uncertain significance. Last evaluated: 2024-04-04. Review status: criteria provided, single submitter. Criteria: GeneDx Variant Classification Process June 2021. Collection method: clinical testing. Allele origin: germline. Affected: yes.
Comment: In silico analysis supports that this missense variant does not alter protein structure/function; Has not been previously published as pathogenic or benign to our knowledge

Blueprint Genetics
Classification: Likely benign. Last evaluated: 2023-04-24. Review status: criteria provided, single submitter. Criteria: ACMG Guidelines, 2015. Collection method: clinical testing. Allele origin: germline.

Eurofins Ntd Llc (ga)
Classification: Uncertain significance. Last evaluated: 2018-08-29. Review status: criteria provided, single submitter. Criteria: EGL ClinVar v180209 classification definitions. Collection method: clinical testing. Allele origin: germline. Observed: 6 variant alleles, 6 heterozygotes.

PreventionGenetics, part of Exact Sciences
Classification: Likely benign for INVS-related condition. Last evaluated: 2022-01-27. Review status: no assertion criteria provided. Collection method: clinical testing. Allele origin: germline. Not counted in ClinVar's aggregate classification.
Comment: This variant is classified as likely benign based on ACMG/AMP sequence variant interpretation guidelines (Richards et al. 2015 PMID: 25741868, with internal and published modifications).

NM_014425.5(INVS):c.1925A>G (p.Lys642Arg)

Gene: INVS (inversin; plus strand). Cytogenetic location: 9q31.1.
Variant type: single nucleotide variant.
Coding change: c.1925A>G on transcript NM_014425.5 (MANE Select); coding-DNA position 1925, A replaced by G.
Protein change: p.Lys642Arg; replaces lysine 642 with arginine.
Molecular consequence: missense variant. On other transcripts: non-coding transcript variant (1).
Genome position (GRCh38, 1-based): chr9:100,284,460, A>G. VCF-style: chr9-100284460-A-G. GRCh37 (hg19) VCF-style: chr9-103046742-A-G.
Other names: c.1637A>G, p.Lys546Arg (NM_001318381.2); c.947A>G, p.Lys316Arg (NM_001318382.2); c.1925A>G (NM_014425.4); short protein forms K642R, K316R, K546R.
Identifiers: ClinVar variation 194250 (VCV000194250.20), dbSNP rs116314059, ClinGen allele CA240125.
Genomic context (GRCh38, chr9:100,284,460, plus strand): 5'-CCCTTCCCTGTCTGCCTAGCACCCAGGATGTGCCCAGCAGGCAGAGCCGGGCCCCCAGCA[A>G]GCAGCCTCCTGCTGGCAACGTGGCCCAAGGCCCTGAGCCAAGAGACAGCAGAGGATCTCC-3'
Protein context (NP_055240.2, residues 632-652): VPSRQSRAPS[Lys642Arg]QPPAGNVAQG